The following is an entry in ClinVar:

ClinVar aggregate classification (germline): Uncertain significance (1 of 4 stars; one submission).

Conditions:
TET3-related disorder. Also called: TET3-related condition; TET3-Related Disease.

Submission:

PreventionGenetics, part of Exact Sciences
Classification: Uncertain significance for TET3-related condition. Last evaluated: 2023-03-24. Review status: criteria provided, single submitter. Criteria: ACMG Guidelines, 2015. Collection method: clinical testing. Allele origin: germline.
Comment: The TET3 c.4084C>T variant is predicted to result in the amino acid substitution p.Pro1362Ser. To our knowledge, this variant has not been reported in the literature or in a large population database, indicating this variant is rare. At this time, the clinical significance of this variant is uncertain due to the absence of conclusive functional and genetic evidence.

NM_001287491.2(TET3):c.4084C>T (p.Pro1362Ser)

Gene: TET3 (tet methylcytosine dioxygenase 3; plus strand). Cytogenetic location: 2p13.1.
Variant type: single nucleotide variant.
Coding change: c.4084C>T on transcript NM_001287491.2 (MANE Select); coding-DNA position 4084, C replaced by T.
Protein change: p.Pro1362Ser; replaces proline 1362 with serine.
Molecular consequence: missense variant.
Genome position (GRCh38, 1-based): chr2:74,100,872, C>T. VCF-style: chr2-74100872-C-T. GRCh37 (hg19) VCF-style: chr2-74327999-C-T.
Other names: c.3805C>T, p.Pro1269Ser (NM_001366022.1); c.3679C>T, p.Pro1227Ser (NM_144993.1); short protein forms P1227S, P1269S, P1362S.
Identifiers: ClinVar variation 2633635 (VCV002633635.1), dbSNP rs2528189746, ClinGen allele CA347318695.
Genomic context (GRCh38, chr2:74,100,872, plus strand): 5'-AGCCAGGCTGTTCCCACAGACGCCCACCACCCCACTCCTCACCACCAGCAGCCTGCGTAC[C>T]CAGGCCCCAAGGAGTATCTGCTTCCCAAGGCCCCCCTACTCCACTCAGTGTCCAGGGACC-3'
Protein context (NP_001274420.1, residues 1352-1372): PTPHHQQPAY[Pro1362Ser]GPKEYLLPKA